The following is an entry in ClinVar:

ClinVar aggregate classification (germline): Conflicting classifications of pathogenicity. Review status: criteria provided, conflicting classifications (1 of 4 stars). 5 submissions from 5 submitters: Likely pathogenic (4); Uncertain significance (1). Last evaluated 2025-12-31.

Conditions:
Mucopolysaccharidosis, MPS-II (MPS2). Also called: Mucopolysaccharidosis type 2; IDS deficiency; Sulfoiduronate sulfatase deficiency; SIDS deficiency; Mucopolysaccharidosis with skin involvement; Attenuated MPS (subtype; formerly known as mild MPS II). Identifiers: Orphanet 580, Orphanet 79388, MedGen C0026705, MONDO:0010674, OMIM 309900.

Submissions (5):

GeneDx
Classification: Uncertain significance. Last evaluated: 2025-12-31. Review status: criteria provided, single submitter. Criteria: GeneDx Variant Classification Process June 2021. Collection method: clinical testing. Allele origin: germline.
Comment: In silico analysis supports that this missense variant has a deleterious effect on protein structure/function; Not observed at significant frequency in large population cohorts (gnomAD); This variant is associated with the following publications: (PMID: 31877959, 35887520, 35225932, 33096603, 30409495, 39617925, 29801497, 26762690)

Labcorp Genetics (formerly Invitae), Labcorp
Classification: Likely pathogenic for Mucopolysaccharidosis, MPS-II. Last evaluated: 2024-10-29. Review status: criteria provided, single submitter. Criteria: Invitae Variant Classification Sherloc (09022015). Collection method: clinical testing. Allele origin: germline.
Comment: This sequence change replaces histidine, which is basic and polar, with arginine, which is basic and polar, at codon 342 of the IDS protein (p.His342Arg). This variant is not present in population databases (gnomAD no frequency). This missense change has been observed in individual(s) with Mucopolysaccharidosis II (PMID: 29801497). Invitae Evidence Modeling of protein sequence and biophysical properties (such as structural, functional, and spatial information, amino acid conservation, physicochemical variation, residue mobility, and thermodynamic stability) has been performed for this missense variant. However, the output from this modeling did not meet the statistical confidence thresholds required to predict the impact of this variant on IDS protein function. Experimental studies have shown that this missense change affects IDS function (PMID: 31877959). This variant disrupts the p.His342 amino acid residue in IDS. Other variant(s) that disrupt this residue have been determined to be pathogenic (PMID: 10220152; internal data). This suggests that this residue is clinically significant, and that variants that disrupt this residue are likely to be disease-causing. In summary, the currently available evidence indicates that the variant is pathogenic, but additional data are needed to prove that conclusively. Therefore, this variant has been classified as Likely Pathogenic.

Fulgent Genetics
Classification: Likely pathogenic for Mucopolysaccharidosis, MPS-II. Last evaluated: 2024-06-07. Review status: criteria provided, single submitter. Criteria: ACMG Guidelines, 2015. Collection method: clinical testing. Allele origin: germline.

Laboratory of Diagnosis and Therapy of Lysosomal Disorders, University of Padova
Classification: Likely pathogenic for Mucopolysaccharidosis, MPS-II. Last evaluated: 2024-06-07. Review status: criteria provided, single submitter. Criteria: ACMG Guidelines, 2015. Collection method: literature only. Allele origin: germline. Affected: yes. Observed: 3 variant alleles.
Comment: Prevalence of the variant significantly increased in affected individuals compared with controls (PS4_Strong), Absent from controls (or at low frequency) in gnomAD database (PM2_Moderate), Missense variant in a gene with a low rate of benign missense variation (PP2_Supporting), Multiple lines of computational evidence support a deleterious effect (PP3_Supporting)

Classification method: ACMG Guidelines [PMID:25741868] with modifications

Women's Health and Genetics/Laboratory Corporation of America, LabCorp
Classification: Likely pathogenic for Mucopolysaccharidosis, MPS-II. Last evaluated: 2024-05-31. Review status: criteria provided, single submitter. Criteria: LabCorp Variant Classification Summary - May 2015. Collection method: clinical testing. Allele origin: germline.
Comment: Variant summary: IDS c.1025A>G (p.His342Arg) results in a non-conservative amino acid change located in the Sulfatase, N-terminal domain (IPR000917) of the encoded protein sequence. Five of five in-silico tools predict a damaging effect of the variant on protein function. The variant was absent in 183468 control chromosomes. c.1025A>G has been reported in the literature in hemizygous brothers affected with Mucopolysaccharidosis Type II (Hunter Syndrome) (e.g. Lin_2020, Lin_2022). These data indicate that the variant may be associated with disease. At least one publication reports experimental evidence evaluating an impact on protein function. The most pronounced variant effect results in reduced IDS enzyme activity in patient leukocytes (50% of WT) or in vitro in COS-7 cells (42% of WT) (e.g. Lin_2020). Multiple different variants located at the same codon (c.1025A>C (p.His342Pro) and c.1024C>T (p.His342Tyr)) have been classified as likely pathogenic/pathogenic in ClinVar (ClinVar ID: 221972, 946154), both citing clinical evidence of variant occurrence in individuals affected with Mucopolysaccharidosis Type II (Hunter Syndrome), supporting a critical relevance of this residue to IDS protein function. The following publications have been ascertained in the context of this evaluation (PMID: 33096603, 35887520). No submitters have cited clinical-significance assessments for this variant to ClinVar. Based on the evidence outlined above, the variant was classified as likely pathogenic.

Literature cited by the submitters: PubMed 29801497 (cited by Labcorp Genetics (formerly Invitae), Labcorp and Laboratory of Diagnosis and Therapy of Lysosomal Disorders, University of Padova); PubMed 31877959 (cited by Labcorp Genetics (formerly Invitae), Labcorp); PubMed 10220152 (cited by Labcorp Genetics (formerly Invitae), Labcorp); PubMed 30409495 (cited by Laboratory of Diagnosis and Therapy of Lysosomal Disorders, University of Padova); PubMed 36077388 (cited by Laboratory of Diagnosis and Therapy of Lysosomal Disorders, University of Padova); PubMed 35225932 (cited by Laboratory of Diagnosis and Therapy of Lysosomal Disorders, University of Padova); PubMed 33096603 (cited by Women's Health and Genetics/Laboratory Corporation of America, LabCorp); PubMed 35887520 (cited by Women's Health and Genetics/Laboratory Corporation of America, LabCorp).

NM_000202.8(IDS):c.1025A>G (p.His342Arg)

Genes: IDS (iduronate 2-sulfatase; minus strand), LOC106050102 (IDS recombination region; plus strand). Cytogenetic location: Xq28.
Variant type: single nucleotide variant.
Coding change: c.1025A>G on transcript NM_000202.8 (MANE Select); coding-DNA position 1025, A replaced by G.
Protein change: p.His342Arg; replaces histidine 342 with arginine.
Molecular consequence: missense variant.
Genome position (GRCh38, 1-based): chrX:149,487,080, T>C on the plus strand (A>G on the coding strand, the complement: IDS is on the minus strand). VCF-style: chrX-149487080-T-C. GRCh37 (hg19) VCF-style: chrX-148568611-T-C.
Other names: c.1025A>G (NM_000202.4); c.755A>G, p.His252Arg (NM_001166550.4); short protein forms H252R, H342R.
Identifiers: ClinVar variation 3255925 (VCV003255925.8).